The following is an entry in ClinVar:

ClinVar aggregate classification (germline): Uncertain significance (1 of 4 stars; one submission).

Conditions:
Ullrich congenital muscular dystrophy 2 (UCMD2). Identifiers: Orphanet 75840, MedGen C4225314, MONDO:0014654, OMIM 616470.
Bethlem myopathy 2 (BTHLM2). Identifiers: Orphanet 536516, Orphanet 610, MedGen C4225313, MONDO:0034022, OMIM 616471.

Submission:

Labcorp Genetics (formerly Invitae), Labcorp
Classification: Uncertain significance for Bethlem myopathy 2; Ullrich congenital muscular dystrophy 2. Last evaluated: 2022-07-22. Review status: criteria provided, single submitter. Criteria: Invitae Variant Classification Sherloc (09022015). Collection method: clinical testing. Allele origin: germline.
Comment: This sequence change falls in intron 31 of the COL12A1 gene. It does not directly change the encoded amino acid sequence of the COL12A1 protein. It affects a nucleotide within the consensus splice site. This variant is not present in population databases (gnomAD no frequency). This variant has not been reported in the literature in individuals affected with COL12A1-related conditions. Variants that disrupt the consensus splice site are a relatively common cause of aberrant splicing (PMID: 17576681, 9536098). Algorithms developed to predict the effect of sequence changes on RNA splicing suggest that this variant is not likely to affect RNA splicing. In summary, the available evidence is currently insufficient to determine the role of this variant in disease. Therefore, it has been classified as a Variant of Uncertain Significance.

Literature cited by the submitters: PubMed 17576681; PubMed 9536098.

NM_004370.6(COL12A1):c.5394+5T>G

Gene: COL12A1 (collagen type XII alpha 1 chain; minus strand). Cytogenetic location: 6q13.
Variant type: single nucleotide variant.
Coding change: c.5394+5T>G on transcript NM_004370.6 (MANE Select); 5 bases into the intron after coding-DNA position 5394, T replaced by G.
Molecular consequence: intron variant.
Genome position (GRCh38, 1-based): chr6:75,137,432, A>C on the plus strand (T>G on the coding strand, the complement: COL12A1 is on the minus strand). VCF-style: chr6-75137432-A-C. GRCh37 (hg19) VCF-style: chr6-75847148-A-C.
Other names: c.1902+5T>G (NM_080645.3).
Identifiers: ClinVar variation 2164519 (VCV002164519.4), dbSNP rs2533310303, ClinGen allele CA2580075818.